The following is an entry in ClinVar:

ClinVar aggregate classification (germline): Conflicting classifications of pathogenicity. Review status: criteria provided, conflicting classifications (1 of 4 stars). 3 submissions from 3 submitters: Uncertain significance (2); Likely benign (1). Last evaluated 2025-12-19.

Conditions:
Cerebral cavernous malformation (CCM). Also called: CAVERNOUS ANGIOMA, FAMILIAL; CAVERNOUS ANGIOMATOUS MALFORMATIONS; CEREBRAL CAPILLARY MALFORMATIONS; Cavernous Hemangioma of Brain; Cerebral cavernous hemangioma (type); Cerebral cavernous malformations. Identifiers: Orphanet 221061, MedGen C2919945, MONDO:0000820, OMIM 116860, HP:0033522.
Inborn genetic diseases. Identifiers: MedGen C0950123, MeSH D030342.

gnomAD v4.1: 32 of 1,613,636 alleles (0.002%); highest among the groups gnomAD compares: Admixed American, 0.0033%; no homozygotes.

Submissions (3):

Labcorp Genetics (formerly Invitae), Labcorp
Classification: Likely benign for Cerebral cavernous malformation. Last evaluated: 2025-12-19. Review status: criteria provided, single submitter. Criteria: Invitae Variant Classification Sherloc (09022015). Collection method: clinical testing. Allele origin: germline.

Ambry Genetics
Classification: Uncertain significance for Inborn genetic diseases. Last evaluated: 2025-12-08. Review status: criteria provided, single submitter. Criteria: Ambry Variant Classification Scheme 2023. Collection method: clinical testing. Allele origin: germline.
Comment: The c.1446A>G (p.Q482Q) alteration is located in exon 15 (coding exon 11) of the KRIT1 gene. This alteration consists of a A to G substitution at nucleotide position 1446. This nucleotide substitution does not change the amino acid at codon 482. Based on data from gnomAD, the G allele has an overall frequency of 0.001% (4/282690) total alleles studied. The highest observed frequency was 0.004% (1/24964) of African alleles. Based on insufficient or conflicting evidence, the clinical significance of this alteration remains unclear.

Mayo Clinic Laboratories, Mayo Clinic
Classification: Uncertain significance. Last evaluated: 2025-04-22. Review status: criteria provided, single submitter. Criteria: ACMG Guidelines, 2015. Collection method: clinical testing. Allele origin: germline. Observed: 1 variant allele.

NM_194454.3(KRIT1):c.1446A>G (p.Gln482=)

Gene: KRIT1 (KRIT1 ankyrin repeat containing; minus strand). Cytogenetic location: 7q21.2.
Variant type: single nucleotide variant.
Coding change: c.1446A>G on transcript NM_194454.3 (MANE Select); coding-DNA position 1446, A replaced by G.
Protein change: p.Gln482=; no amino-acid change (glutamine 482 retained).
Molecular consequence: synonymous variant.
Genome position (GRCh38, 1-based): chr7:92,222,019, T>C on the plus strand (A>G on the coding strand, the complement: KRIT1 is on the minus strand). VCF-style: chr7-92222019-T-C. GRCh37 (hg19) VCF-style: chr7-91851333-T-C.
Other names: p.Gln482=; c.1302A>G, p.Gln434= (NM_001013406.2, NM_001350669.1, NM_001350670.1); c.732A>G, p.Gln244= (NM_001350671.1); c.1446A>G, p.Gln482= (NM_001350672.1, NM_001350673.1, NM_001350674.1 and 26 more transcripts).
Identifiers: ClinVar variation 4541300 (VCV004541300.2).